The following is an entry in ClinVar:

NM_000533.5(PLP1):c.370A>T (p.Arg124Trp)

Genes: PLP1 (proteolipid protein 1; plus strand), RAB9B (RAB9B, member RAS oncogene family; minus strand). Cytogenetic location: Xq22.2.
Variant type: single nucleotide variant.
Coding change: c.370A>T on transcript NM_000533.5 (MANE Select); coding-DNA position 370, A replaced by T.
Protein change: p.Arg124Trp; replaces arginine 124 with tryptophan.
Molecular consequence: missense variant. On other transcripts: intron variant (1).
Genome position (GRCh38, 1-based): chrX:103,786,643, A>T. VCF-style: chrX-103786643-A-T. GRCh37 (hg19) VCF-style: chrX-103041572-A-T.
Other names: c.370A>T (NM_000533.3); c.370A>T, p.Arg124Trp (NM_001128834.3); c.205A>T, p.Arg69Trp (NM_001305004.1); c.348+22A>T (NM_199478.3); short protein forms R124W, R69W.
Identifiers: ClinVar variation 1162910 (VCV001162910.6), dbSNP rs2147764497, ClinGen allele CA414102790.

ClinVar aggregate classification (germline): Uncertain significance. Review status: criteria provided, multiple submitters, no conflicts (2 of 4 stars). 2 submissions from 2 submitters: Uncertain significance (2). Last evaluated 2025-06-09.

Submissions (2):

GeneDx
Classification: Uncertain significance. Last evaluated: 2025-06-09. Review status: criteria provided, single submitter. Criteria: GeneDx Variant Classification Process June 2021. Collection method: clinical testing. Allele origin: germline. Affected: yes.
Comment: Not observed at significant frequency in large population cohorts (gnomAD); Missense variants in this gene are a common cause of disease and they are underrepresented in the general population; In silico analysis suggests that this missense variant does not alter protein structure/function; Has not been previously published as pathogenic or benign to our knowledge

Mayo Clinic Laboratories, Mayo Clinic
Classification: Uncertain significance. Last evaluated: 2019-08-17. Review status: criteria provided, single submitter. Criteria: ACMG Guidelines, 2015. Collection method: clinical testing. Allele origin: germline. Observed: 1 variant allele.